The following is an entry in ClinVar:

NM_000152.5(GAA):c.229G>T (p.Ala77Ser)

Gene: GAA (alpha glucosidase; plus strand). Cytogenetic location: 17q25.3.
Variant type: single nucleotide variant.
Coding change: c.229G>T on transcript NM_000152.5 (MANE Select); coding-DNA position 229, G replaced by T.
Protein change: p.Ala77Ser; replaces alanine 77 with serine.
Molecular consequence: missense variant.
Genome position (GRCh38, 1-based): chr17:80,104,815, G>T. VCF-style: chr17-80104815-G-T. GRCh37 (hg19) VCF-style: chr17-78078614-G-T.
Other names: c.229G>T, p.Ala77Ser (NM_001079803.3, NM_001079804.3); c.229G>T (LRG_673t1); short protein forms A77S.
Identifiers: ClinVar variation 580689 (VCV000580689.11), dbSNP rs781365881, ClinGen allele CA401360496.

ClinVar aggregate classification (germline): Uncertain significance. Review status: criteria provided, multiple submitters, no conflicts (2 of 4 stars). 3 submissions from 3 submitters: Uncertain significance (2). 1 of the submissions does not count toward it. Last evaluated 2022-07-15.

Conditions:
Glycogen storage disease, type II (IOPD). Also called: CARDIOMEGALIA GLYCOGENICA DIFFUSA; GLYCOGENOSIS, GENERALIZED, CARDIAC FORM; GSD II; Pompe Disease; Glucosidase acid-1,4-alpha deficiency; POMPE DISEASE, INFANTILE-ONSET. Identifiers: Orphanet 365, MedGen C0017921, MONDO:0009290, OMIM 232300.

Allele frequency attached by ClinVar (database versions not stated): TOPMed below 0.00001; gnomAD 0.00001.

Submissions (3):

Blueprint Genetics
Classification: Uncertain significance. Last evaluated: 2022-07-15. Review status: criteria provided, single submitter. Criteria: ACMG Guidelines, 2015. Collection method: clinical testing. Allele origin: germline.

Labcorp Genetics (formerly Invitae), Labcorp
Classification: Uncertain significance for Glycogen storage disease, type II. Last evaluated: 2022-06-09. Review status: criteria provided, single submitter. Criteria: Invitae Variant Classification Sherloc (09022015). Collection method: clinical testing. Allele origin: germline.
Comment: This sequence change replaces alanine, which is neutral and non-polar, with serine, which is neutral and polar, at codon 77 of the GAA protein (p.Ala77Ser). This variant is present in population databases (no rsID available, gnomAD 0.0009%). This variant has not been reported in the literature in individuals affected with GAA-related conditions. ClinVar contains an entry for this variant (Variation ID: 580689). Advanced modeling of protein sequence and biophysical properties (such as structural, functional, and spatial information, amino acid conservation, physicochemical variation, residue mobility, and thermodynamic stability) performed at Invitae indicates that this missense variant is not expected to disrupt GAA protein function. In summary, the available evidence is currently insufficient to determine the role of this variant in disease. Therefore, it has been classified as a Variant of Uncertain Significance.

Natera, Inc.
Classification: Uncertain significance for Glycogen storage disease type II. Last evaluated: 2021-10-12. Review status: no assertion criteria provided. Collection method: clinical testing. Allele origin: germline. Not counted in ClinVar's aggregate classification.